The following is an entry in ClinVar:

NM_000465.4(BARD1):c.222_229del (p.Cys74_Asp77delinsTer)

Gene: BARD1 (BRCA1 associated RING domain 1; minus strand). Cytogenetic location: 2q35.
Variant type: Deletion.
Coding change: c.222_229del on transcript NM_000465.4 (MANE Select); coding-DNA positions 222 to 229, 8 bases deleted (TGTAAGTG; older notation c.222_229delTGTAAGTG).
Protein change: p.Cys74_Asp77delinsTer.
Molecular consequence: nonsense. On other transcripts: non-coding transcript variant (1), intron variant (2).
Genome position (GRCh38, 1-based): chr2:214,792,432-214,792,439, CACTTACA deleted on the plus strand (TGTAAGTG on the coding strand, the reverse complement: BARD1 is on the minus strand); deleting any 8 consecutive bases within chr2:214,792,432-214,792,441 gives the same sequence; the c. name uses the placement nearest the transcript's 3' end. VCF-style (leftmost placement, unchanged base first): chr2-214792431-TCACTTACA-T. GRCh37 (hg19) VCF-style: chr2-215657155-TCACTTACA-T.
Other names: c.165_172del, p.Cys55_Asp58delinsTer (NM_001282543.2); c.222_229del, p.Cys74_Asp77delinsTer (NM_001282549.2); c.158+16973_158+16980del (NM_001282548.2); c.215+4622_215+4629del (NM_001282545.2).
Identifiers: ClinVar variation 3661290 (VCV003661290.2).

ClinVar aggregate classification (germline): Pathogenic (1 of 4 stars; one submission).

Conditions:
Familial cancer of breast. Also called: Hereditary breast cancer; hereditary breast carcinoma; BREAST CANCER, FAMILIAL. Identifiers: Orphanet 227535, MedGen C0346153, MONDO:0016419, OMIM 114480. Disease mechanism: loss of function.

Submission:

Labcorp Genetics (formerly Invitae), Labcorp
Classification: Pathogenic for Familial cancer of breast. Last evaluated: 2024-11-12. Review status: criteria provided, single submitter. Criteria: Invitae Variant Classification Sherloc (09022015). Collection method: clinical testing. Allele origin: germline.
Comment: This sequence change creates a premature translational stop signal (p.Cys74*) in the BARD1 gene. It is expected to result in an absent or disrupted protein product. Loss-of-function variants in BARD1 are known to be pathogenic (PMID: 20077502, 21344236). This variant is not present in population databases (gnomAD no frequency). This variant has not been reported in the literature in individuals affected with BARD1-related conditions. For these reasons, this variant has been classified as Pathogenic.

Literature cited by the submitters: PubMed 20077502; PubMed 21344236.